The following is an entry in ClinVar:

ClinVar aggregate classification (germline): Uncertain significance (1 of 4 stars; one submission).

Conditions:
Xanthinuria type II. Also called: Xanthine dehydrogenase and aldehyde oxidase combined deficiency of; XDH and AOX dual deficiency. Identifiers: Orphanet 3467, Orphanet 93602, MedGen C1863688, MONDO:0011346, OMIM 603592.

Submission:

Labcorp Genetics (formerly Invitae), Labcorp
Classification: Uncertain significance for Xanthinuria type II. Last evaluated: 2022-04-09. Review status: criteria provided, single submitter. Criteria: Invitae Variant Classification Sherloc (09022015). Collection method: clinical testing. Allele origin: germline.
Comment: This sequence change replaces aspartic acid, which is acidic and polar, with valine, which is neutral and non-polar, at codon 1166 of the XDH protein (p.Asp1166Val). This variant is not present in population databases (gnomAD no frequency). This variant has not been reported in the literature in individuals affected with XDH-related conditions. Algorithms developed to predict the effect of missense changes on protein structure and function (SIFT, PolyPhen-2, Align-GVGD) all suggest that this variant is likely to be disruptive. In summary, the available evidence is currently insufficient to determine the role of this variant in disease. Therefore, it has been classified as a Variant of Uncertain Significance.

NM_000379.4(XDH):c.3497A>T (p.Asp1166Val)

Gene: XDH (xanthine dehydrogenase; minus strand). Cytogenetic location: 2p23.1.
Variant type: single nucleotide variant.
Coding change: c.3497A>T on transcript NM_000379.4 (MANE Select); coding-DNA position 3497, A replaced by T.
Protein change: p.Asp1166Val; replaces aspartic acid 1166 with valine.
Molecular consequence: missense variant.
Genome position (GRCh38, 1-based): chr2:31,342,205, T>A on the plus strand (A>T on the coding strand, the complement: XDH is on the minus strand). VCF-style: chr2-31342205-T-A. GRCh37 (hg19) VCF-style: chr2-31565071-T-A.
Other names: short protein forms D1166V.
Identifiers: ClinVar variation 2123964 (VCV002123964.4), dbSNP rs2465302900, ClinGen allele CA346495950.
Genomic context (GRCh38, chr2:31,342,205, plus strand): 5'-CTTTCCCACTAAGTACTAAAGTTTTGCAAACTTCTTACCTTATGATCTCCTGTTAGGCAG[T>A]CGATTTCTACTTCAGAGCAAGCCACCCCATAGCTGAAGTAGTGGAAGGGGTTCCCTGAGT-3'
Protein context (NP_000370.2, residues 1156-1176): YGVACSEVEI[Asp1166Val]CLTGDHKNLR